The following is an entry in ClinVar:

NM_001042472.3(ABHD12):c.1030-7T>C

Gene: ABHD12 (abhydrolase domain containing 12, lysophospholipase; minus strand). Cytogenetic location: 20p11.21.
Variant type: single nucleotide variant.
Coding change: c.1030-7T>C on transcript NM_001042472.3 (MANE Select); 7 bases into the intron before coding-DNA position 1030, T replaced by C.
Molecular consequence: intron variant.
Genome position (GRCh38, 1-based): chr20:25,302,353, A>G on the plus strand (T>C on the coding strand, the complement: ABHD12 is on the minus strand). VCF-style: chr20-25302353-A-G. GRCh37 (hg19) VCF-style: chr20-25282989-A-G.
Other names: c.1030-7T>C (NM_015600.5).
Identifiers: ClinVar variation 2778954 (VCV002778954.4), dbSNP rs754258279, ClinGen allele CA9795842.
Genomic context (GRCh38, chr20:25,302,353, plus strand): 5'-AAACTGAACTTTGAAATCTCGGAAGCTTCGAGCTGGTGCGGCGATGCTATAGAGCTGGGG[A>G]GAGAGGGGTCAGAGCCTGAGGCAGTGGCCTGGCATGGGGGTCCCAGCCTGAGGAACACCA-3'

ClinVar aggregate classification (germline): Conflicting classifications of pathogenicity. Review status: criteria provided, conflicting classifications (1 of 4 stars). 2 submissions from 2 submitters: Uncertain significance (1); Likely benign (1). Last evaluated 2024-10-01.

Conditions:
Syndromic retinitis pigmentosa. Identifiers: Orphanet 98661, MedGen C5680332, MONDO:0020240.

Allele frequency attached by ClinVar (database versions not stated): gnomAD exomes below 0.00001; TOPMed below 0.00001; ExAC 0.00001.
gnomAD v4.1: 4 of 1,612,864 alleles (0.00025%); highest among the groups gnomAD compares: Non-Finnish European, 0.00025%; no homozygotes.

Submissions (2):

Lab De Baere, Eye and Developmental Genetics Lab, Ghent University
Classification: Uncertain significance for Syndromic retinitis pigmentosa. Last evaluated: 2024-10-01. Review status: criteria provided, single submitter. Criteria: ACMG Guidelines, 2015. Collection method: research. Allele origin: inherited. Affected: yes. Observed: 1 variant allele.
Comment: ACMG/AMP guidelines: PM2, BP4, PM3_PP

Labcorp Genetics (formerly Invitae), Labcorp
Classification: Likely benign. Last evaluated: 2024-01-04. Review status: criteria provided, single submitter. Criteria: Invitae Variant Classification Sherloc (09022015). Collection method: clinical testing. Allele origin: germline.